The following is an entry in ClinVar:

NM_012233.3(RAB3GAP1):c.2265T>C (p.Phe755=)

Gene: RAB3GAP1 (RAB3 GTPase activating protein catalytic subunit 1; plus strand). Cytogenetic location: 2q21.3.
Variant type: single nucleotide variant.
Coding change: c.2265T>C on transcript NM_012233.3 (MANE Select); coding-DNA position 2265, T replaced by C.
Protein change: p.Phe755=; no amino-acid change (phenylalanine 755 retained).
Molecular consequence: synonymous variant.
Genome position (GRCh38, 1-based): chr2:135,153,852, T>C. VCF-style: chr2-135153852-T-C. GRCh37 (hg19) VCF-style: chr2-135911422-T-C.
Other names: p.Phe755=; c.2265T>C, p.Phe755= (NM_001172435.2).
Identifiers: ClinVar variation 130067 (VCV000130067.27), dbSNP rs17261772, ClinGen allele CA154839.

ClinVar aggregate classification (germline): Benign. Review status: criteria provided, multiple submitters, no conflicts (2 of 4 stars). 13 submissions from 12 submitters: Benign (9). 4 of the submissions do not count toward it. Last evaluated 2026-02-03.

Conditions:
Martsolf syndrome 2. Identifiers: MedGen C5543626, MONDO:0030376, OMIM 619420.
Warburg micro syndrome 1 (WARBM1). Identifiers: Orphanet 2510, MedGen C1838625, MONDO:0010822, OMIM 600118.

Allele frequency attached by ClinVar (database versions not stated): gnomAD exomes 0.33586 and 0.52038; ESP Exome Variant Server 0.49070; ExAC 0.51736; gnomAD 0.53257 and 0.54411; TOPMed 0.58244; 1000 Genomes Project 30x 0.77701; 1000 Genomes Project 0.78674.
gnomAD v4.1: 579,309 of 1,613,426 alleles (36%); highest among the groups gnomAD compares: East Asian, 100%; 150,350 homozygotes.

Submissions (13):

Labcorp Genetics (formerly Invitae), Labcorp
Classification: Benign. Last evaluated: 2026-02-03. Review status: criteria provided, single submitter. Criteria: Invitae Variant Classification Sherloc (09022015). Collection method: clinical testing. Allele origin: germline.

Mayo Clinic Laboratories, Mayo Clinic
Classification: Benign. Last evaluated: 2022-03-24. Review status: criteria provided, single submitter. Criteria: ACMG Guidelines, 2015. Collection method: clinical testing. Allele origin: germline. Observed: 535 variant alleles.

Genome-Nilou Lab
Classification: Benign for Martsolf syndrome 2. Last evaluated: 2021-11-07. Review status: criteria provided, single submitter. Criteria: ACMG Guidelines, 2015. Collection method: clinical testing. Allele origin: germline. Affected: no.

Genome-Nilou Lab
Classification: Benign for Warburg micro syndrome 1. Last evaluated: 2021-11-07. Review status: criteria provided, single submitter. Criteria: ACMG Guidelines, 2015. Collection method: clinical testing. Allele origin: germline. Affected: no.

Athena Diagnostics
Classification: Benign. Last evaluated: 2018-05-07. Review status: criteria provided, single submitter. Criteria: Athena Diagnostics Criteria. Collection method: clinical testing. Allele origin: germline.

Illumina Laboratory Services, Illumina
Classification: Benign for Warburg micro syndrome 1. Last evaluated: 2018-01-13. Review status: criteria provided, single submitter. Criteria: ICSL Variant Classification Criteria 13 December 2019. Collection method: clinical testing. Allele origin: germline.
Comment: This variant was observed in the ICSL laboratory as part of a predisposition screen in an ostensibly healthy population. It had not been previously curated by ICSL or reported in the Human Gene Mutation Database (HGMD: prior to June 1st, 2018), and was therefore a candidate for classification through an automated scoring system. Utilizing variant allele frequency, disease prevalence and penetrance estimates, and inheritance mode, an automated score was calculated to assess if this variant is too frequent to cause the disease. Based on the score and internal cut-off values, a variant classified as benign is not then subjected to further curation. The score for this variant resulted in a classification of benign for this disease.

GeneDx
Classification: Benign. Last evaluated: 2015-03-03. Review status: criteria provided, single submitter. Criteria: GeneDx Variant Classification Process June 2021. Collection method: clinical testing. Allele origin: germline. Affected: yes.

Breakthrough Genomics
Classification: Benign. Review status: criteria provided, single submitter. Criteria: ACMG Guidelines, 2015. Collection method: not provided. Allele origin: germline. Inheritance: Autosomal recessive inheritance. Affected: yes.

PreventionGenetics, part of Exact Sciences
Classification: Benign. Review status: criteria provided, single submitter. Criteria: ACMG Guidelines, 2015. Collection method: clinical testing. Allele origin: germline.

Clinical Genetics DNA and cytogenetics Diagnostics Lab, Erasmus MC, Erasmus Medical Center
Classification: Benign. Review status: no assertion criteria provided. Collection method: clinical testing. Allele origin: germline. Affected: yes. Study: VKGL Data-share Consensus. Not counted in ClinVar's aggregate classification.

Diagnostic Laboratory, Department of Genetics, University Medical Center Groningen
Classification: Benign for Warburg micro syndrome 1. Review status: no assertion criteria provided. Collection method: clinical testing. Allele origin: germline. Affected: yes. Study: VKGL Data-share Consensus. Not counted in ClinVar's aggregate classification.

Genetic Services Laboratory, University of Chicago
Classification: Likely benign for AllHighlyPenetrant. Review status: no assertion criteria provided. Collection method: clinical testing. Allele origin: germline. Inheritance: Autosomal recessive inheritance. Not counted in ClinVar's aggregate classification.
Comment: Likely benign based on allele frequency in 1000 Genomes Project or ESP global frequency and its presence in a patient with a rare or unrelated disease phenotype. NOT Sanger confirmed.

Joint Genome Diagnostic Labs from Nijmegen and Maastricht, Radboudumc and MUMC+
Classification: Benign. Review status: no assertion criteria provided. Collection method: clinical testing. Allele origin: germline. Affected: yes. Study: VKGL Data-share Consensus. Not counted in ClinVar's aggregate classification.